The following is an entry in ClinVar:

ClinVar aggregate classification (germline): Uncertain significance. Review status: criteria provided, multiple submitters, no conflicts (2 of 4 stars). 3 submissions from 3 submitters: Uncertain significance (3). Last evaluated 2024-03-22.

Conditions:
Galloway-Mowat syndrome 1 (GAMOS1). Identifiers: Orphanet 2065, Orphanet 83472, MedGen C4551772, MONDO:0033005, OMIM 251300.
Inborn genetic diseases. Identifiers: MedGen C0950123, MeSH D030342.

Allele frequency attached by ClinVar (database versions not stated): TOPMed 0.00004; gnomAD 0.00006; gnomAD exomes 0.00007; ESP Exome Variant Server 0.00008; ExAC 0.00012.
gnomAD v4.1: 106 of 1,610,238 alleles (0.0066%); highest among the groups gnomAD compares: South Asian, 0.025%; 1 homozygote.

Submissions (3):

Fulgent Genetics
Classification: Uncertain significance for Galloway-Mowat syndrome 1. Last evaluated: 2024-03-22. Review status: criteria provided, single submitter. Criteria: ACMG Guidelines, 2015. Collection method: clinical testing. Allele origin: germline.

Ambry Genetics
Classification: Uncertain significance for Inborn genetic diseases. Last evaluated: 2023-12-27. Review status: criteria provided, single submitter. Criteria: Ambry Variant Classification Scheme 2023. Collection method: clinical testing. Allele origin: germline.

Labcorp Genetics (formerly Invitae), Labcorp
Classification: Uncertain significance. Last evaluated: 2022-09-13. Review status: criteria provided, single submitter. Criteria: Invitae Variant Classification Sherloc (09022015). Collection method: clinical testing. Allele origin: germline.
Comment: This sequence change replaces proline, which is neutral and non-polar, with leucine, which is neutral and non-polar, at codon 211 of the WDR73 protein (p.Pro211Leu). This variant is present in population databases (rs373626470, gnomAD 0.01%). This variant has not been reported in the literature in individuals affected with WDR73-related conditions. Advanced modeling of protein sequence and biophysical properties (such as structural, functional, and spatial information, amino acid conservation, physicochemical variation, residue mobility, and thermodynamic stability) performed at Invitae indicates that this missense variant is not expected to disrupt WDR73 protein function. In summary, the available evidence is currently insufficient to determine the role of this variant in disease. Therefore, it has been classified as a Variant of Uncertain Significance.

NM_032856.5(WDR73):c.632C>T (p.Pro211Leu)

Gene: WDR73 (WD repeat domain 73; minus strand). Cytogenetic location: 15q25.2.
Variant type: single nucleotide variant.
Coding change: c.632C>T on transcript NM_032856.5 (MANE Select); coding-DNA position 632, C replaced by T.
Protein change: p.Pro211Leu; replaces proline 211 with leucine.
Molecular consequence: missense variant. On other transcripts: non-coding transcript variant (4).
Genome position (GRCh38, 1-based): chr15:84,645,722, G>A on the plus strand (C>T on the coding strand, the complement: WDR73 is on the minus strand). VCF-style: chr15-84645722-G-A. GRCh37 (hg19) VCF-style: chr15-85188953-G-A.
Other names: c.632C>T (NM_032856.2); short protein forms P211L.
Identifiers: ClinVar variation 2149682 (VCV002149682.3), dbSNP rs373626470, ClinGen allele CA7707286.